The following is an entry in ClinVar:

ClinVar aggregate classification (germline): Uncertain significance. Review status: criteria provided, multiple submitters, no conflicts (2 of 4 stars). 2 submissions from 2 submitters: Uncertain significance (2). Last evaluated 2025-06-11.

Conditions:
Epilepsy, idiopathic generalized, susceptibility to, 10. Identifiers: MedGen C2751603, MONDO:0013103, OMIM 613060.
Idiopathic generalized epilepsy. Also called: Generalised epilepsy; EIG. Identifiers: MedGen C0270850, MONDO:0005579, OMIM 600669.

Submissions (2):

3billion
Classification: Uncertain significance for Epilepsy, idiopathic generalized, susceptibility to, 10. Last evaluated: 2025-06-11. Review status: criteria provided, single submitter. Criteria: ACMG Guidelines, 2015. Collection method: clinical testing. Allele origin: germline. Affected: yes.
Comment: The variant is not observed in the gnomAD v4.1.0 dataset. Predicted Consequence/Location: Missense variant. Missense changes are a common disease-causing mechanism. Damaging effect on gene or gene product predicted by in silico programs is uncertain [REVEL: 0.23 (damaging >=0.6, benign <0.4), 3Cnet: 0.34 (damaging >0.75, benign <0.1)]. The variant has been reported as of uncertain significance (ClinVar ID: VCV002093421). Different missense changes at the same codon have been reported as of uncertain significance (ClinVar ID: VCV003659522). Therefore, this variant is classified as VUS according to the recommendation of ACMG/AMP guideline.

Labcorp Genetics (formerly Invitae), Labcorp
Classification: Uncertain significance for Idiopathic generalized epilepsy. Last evaluated: 2022-02-05. Review status: criteria provided, single submitter. Criteria: Invitae Variant Classification Sherloc (09022015). Collection method: clinical testing. Allele origin: germline.
Comment: In summary, the available evidence is currently insufficient to determine the role of this variant in disease. Therefore, it has been classified as a Variant of Uncertain Significance. Algorithms developed to predict the effect of missense changes on protein structure and function (SIFT, PolyPhen-2, Align-GVGD) all suggest that this variant is likely to be tolerated. This variant has not been reported in the literature in individuals affected with GABRD-related conditions. This variant is not present in population databases (gnomAD no frequency). This sequence change replaces asparagine, which is neutral and polar, with serine, which is neutral and polar, at codon 35 of the GABRD protein (p.Asn35Ser).

NM_000815.5(GABRD):c.104A>G (p.Asn35Ser)

Gene: GABRD (gamma-aminobutyric acid type A receptor subunit delta; plus strand). Cytogenetic location: 1p36.33.
Variant type: single nucleotide variant.
Coding change: c.104A>G on transcript NM_000815.5 (MANE Select); coding-DNA position 104, A replaced by G.
Protein change: p.Asn35Ser; replaces asparagine 35 with serine.
Molecular consequence: missense variant.
Genome position (GRCh38, 1-based): chr1:2,024,977, A>G. VCF-style: chr1-2024977-A-G. GRCh37 (hg19) VCF-style: chr1-1956416-A-G.
Other names: short protein forms N35S.
Identifiers: ClinVar variation 2093421 (VCV002093421.5), dbSNP rs2525626278, ClinGen allele CA337955415.